The following is an entry in ClinVar:

ClinVar aggregate classification (germline): Pathogenic (0 of 4 stars; one submission).

Conditions:
Waardenburg syndrome type 2E (WS2E). Also called: WAARDENBURG SYNDROME, TYPE 2E, WITH OR WITHOUT NEUROLOGIC INVOLVEMENT; WS2E, WITH OR WITHOUT NEUROLOGIC INVOLVEMENT; HYPOGONADOTROPIC HYPOGONADISM WITH ANOSMIA AND DEAFNESS, WITH OR WITHOUT HYPOPIGMENTATION. Identifiers: Orphanet 3440, MedGen C2700405, MONDO:0012698, OMIM 611584.

Submission:

Department of Pediatrics, Division of Medical Genetics, Faculty of Medicine Ramathibodi Hospital, Mahidol University
Classification: Pathogenic for Waardenburg syndrome type 2E. Last evaluated: 2020-05-02. Review status: no assertion criteria provided. Collection method: research. Allele origin: de novo. Inheritance: Sporadic. Affected: yes. Observed: 1 heterozygote.
Comment: 1. de novo occurrence. 2. The altered protein is predicted to a partially loss of transactivation domain.

NM_006941.4(SOX10):c.1379del (p.Tyr460fs)

Genes: POLR2F (RNA polymerase II, I and III subunit F; plus strand), SOX10 (SRY-box transcription factor 10; minus strand). Cytogenetic location: 22q13.1.
Variant type: Deletion.
Coding change: c.1379del on transcript NM_006941.4 (MANE Select); coding-DNA position 1379, one base deleted (A; older notation c.1379delA).
Protein change: p.Tyr460fs; shifts the reading frame from tyrosine 460.
Molecular consequence: frameshift variant. On other transcripts: intron variant (3).
Genome position (GRCh38, 1-based): chr22:37,973,517, T deleted on the plus strand (A on the coding strand, the reverse complement: SOX10 is on the minus strand). VCF-style (leftmost placement, unchanged base first): chr22-37973516-AT-A. GRCh37 (hg19) VCF-style: chr22-38369523-AT-A.
Other names: c.*38+1207del (NM_001363825.1); c.293+6347del (NM_001301130.2, NM_001301131.2); short protein forms Y460fs.
Identifiers: ClinVar variation 915460 (VCV000915460.5), dbSNP rs1932122748, ClinGen allele CA1139667107.